The following is an entry in ClinVar:

NM_001041.4(SI):c.3992G>T (p.Trp1331Leu)

Gene: SI (sucrase-isomaltase; minus strand). Cytogenetic location: 3q26.1.
Variant type: single nucleotide variant.
Coding change: c.3992G>T on transcript NM_001041.4 (MANE Select); coding-DNA position 3992, G replaced by T.
Protein change: p.Trp1331Leu; replaces tryptophan 1331 with leucine.
Molecular consequence: missense variant.
Genome position (GRCh38, 1-based): chr3:165,015,130, C>A on the plus strand (G>T on the coding strand, the complement: SI is on the minus strand). VCF-style: chr3-165015130-C-A. GRCh37 (hg19) VCF-style: chr3-164732918-C-A.
Other names: c.3992G>T (NM_001041.3); short protein forms W1331L.
Identifiers: ClinVar variation 1942586 (VCV001942586.6), dbSNP rs776755426, ClinGen allele CA2690083.

ClinVar aggregate classification (germline): Uncertain significance. Review status: criteria provided, multiple submitters, no conflicts (2 of 4 stars). 2 submissions from 2 submitters: Uncertain significance (2). Last evaluated 2023-12-07.

Conditions:
Inborn genetic diseases. Identifiers: MedGen C0950123, MeSH D030342.

Allele frequency attached by ClinVar (database versions not stated): ExAC 0.00001; gnomAD 0.00001; gnomAD exomes 0.00001; TOPMed 0.00003.
gnomAD v4.1: 6 of 1,608,130 alleles (0.00037%); highest among the groups gnomAD compares: Non-Finnish European, 0.00051%; no homozygotes.

Submissions (2):

Labcorp Genetics (formerly Invitae), Labcorp
Classification: Uncertain significance. Last evaluated: 2023-12-07. Review status: criteria provided, single submitter. Criteria: Invitae Variant Classification Sherloc (09022015). Collection method: clinical testing. Allele origin: germline.
Comment: This sequence change replaces tryptophan, which is neutral and slightly polar, with leucine, which is neutral and non-polar, at codon 1331 of the SI protein (p.Trp1331Leu). The frequency data for this variant in the population databases is considered unreliable, as metrics indicate poor data quality at this position in the gnomAD database. This variant has not been reported in the literature in individuals affected with SI-related conditions. ClinVar contains an entry for this variant (Variation ID: 1942586). Advanced modeling of protein sequence and biophysical properties (such as structural, functional, and spatial information, amino acid conservation, physicochemical variation, residue mobility, and thermodynamic stability) has been performed at Invitae for this missense variant, however the output from this modeling did not meet the statistical confidence thresholds required to predict the impact of this variant on SI protein function. In summary, the available evidence is currently insufficient to determine the role of this variant in disease. Therefore, it has been classified as a Variant of Uncertain Significance.

Ambry Genetics
Classification: Uncertain significance for Inborn genetic diseases. Last evaluated: 2023-11-22. Review status: criteria provided, single submitter. Criteria: Ambry Variant Classification Scheme 2023. Collection method: clinical testing. Allele origin: germline.